The following is an entry in ClinVar:

ClinVar aggregate classification (germline): Benign/Likely benign. Review status: criteria provided, multiple submitters, no conflicts (2 of 4 stars). 6 submissions from 6 submitters: Benign (3); Likely benign (3). Last evaluated 2025-12-30.

Conditions:
Inborn genetic diseases. Identifiers: MedGen C0950123, MeSH D030342.

Allele frequency attached by ClinVar (database versions not stated): gnomAD exomes 0.00067 and 0.00147; ESP Exome Variant Server 0.00073; gnomAD 0.00086 and 0.00088; TOPMed 0.00090; ExAC 0.00104.
gnomAD v4.1: 1,199 of 1,613,796 alleles (0.074%); highest among the groups gnomAD compares: Non-Finnish European, 0.012%; 14 homozygotes.

Submissions (6):

Labcorp Genetics (formerly Invitae), Labcorp
Classification: Likely benign. Last evaluated: 2025-12-30. Review status: criteria provided, single submitter. Criteria: Invitae Variant Classification Sherloc (09022015). Collection method: clinical testing. Allele origin: germline.

CeGaT Center for Human Genetics Tuebingen
Classification: Likely benign. Last evaluated: 2023-01-01. Review status: criteria provided, single submitter. Criteria: CeGaT Center For Human Genetics Tuebingen Variant Classification Criteria Version 2. Collection method: clinical testing. Allele origin: germline. Affected: yes. Observed: 1 variant allele.
Comment: CHD8: PP2, BS1

GeneDx
Classification: Benign. Last evaluated: 2020-02-12. Review status: criteria provided, single submitter. Criteria: GeneDx Variant Classification Process June 2021. Collection method: clinical testing. Allele origin: germline. Affected: yes.

Ambry Genetics
Classification: Benign for Inborn genetic diseases. Last evaluated: 2019-06-10. Review status: criteria provided, single submitter. Criteria: Ambry Variant Classification Scheme 2023. Collection method: clinical testing. Allele origin: germline.

Eurofins Ntd Llc (ga)
Classification: Benign. Last evaluated: 2017-07-21. Review status: criteria provided, single submitter. Criteria: EGL Classification Definitions 2015. Collection method: clinical testing. Allele origin: germline. Observed: 2 variant alleles, 2 heterozygotes.

Breakthrough Genomics
Classification: Likely benign. Review status: criteria provided, single submitter. Criteria: ACMG Guidelines, 2015. Collection method: not provided. Allele origin: germline. Inheritance: Autosomal dominant inheritance. Affected: yes.

NM_001170629.2(CHD8):c.7036G>A (p.Glu2346Lys)

Genes: CHD8 (chromodomain helicase DNA binding protein 8; minus strand), LOC126861888 (CDK7 strongly-dependent group 2 enhancer GRCh37_chr14:21859227-21860426; plus strand). Cytogenetic location: 14q11.2.
Variant type: single nucleotide variant.
Coding change: c.7036G>A on transcript NM_001170629.2 (MANE Select); coding-DNA position 7036, G replaced by A.
Protein change: p.Glu2346Lys; replaces glutamic acid 2346 with lysine.
Molecular consequence: missense variant.
Genome position (GRCh38, 1-based): chr14:21,391,492, C>T on the plus strand (G>A on the coding strand, the complement: CHD8 is on the minus strand). VCF-style: chr14-21391492-C-T. GRCh37 (hg19) VCF-style: chr14-21859651-C-T.
Other names: c.6199G>A, p.Glu2067Lys (NM_020920.4); short protein forms E2067K, E2346K.
Identifiers: ClinVar variation 196943 (VCV000196943.80), dbSNP rs200465274, ClinGen allele CA244769.